The following is an entry in ClinVar:

NM_001291303.3(FAT4):c.12214-5C>T

Gene: FAT4 (FAT atypical cadherin 4; plus strand). Cytogenetic location: 4q28.1.
Variant type: single nucleotide variant.
Coding change: c.12214-5C>T on transcript NM_001291303.3 (MANE Select); 5 bases into the intron before coding-DNA position 12214, C replaced by T.
Molecular consequence: intron variant.
Genome position (GRCh38, 1-based): chr4:125,476,166, C>T. VCF-style: chr4-125476166-C-T. GRCh37 (hg19) VCF-style: chr4-126397321-C-T.
Other names: p.?; c.12214-5C>T (NM_001291285.3); c.12208-5C>T (NM_024582.6).
Identifiers: ClinVar variation 380799 (VCV000380799.19), dbSNP rs17009761, ClinGen allele CA3074038.
Genomic context (GRCh38, chr4:125,476,166, plus strand): 5'-TGGCTGGAAAGGCTAATAGGGACGGTAGAACTCAAAGTTGAATGTTTCTTTCTCTTGCTT[C>T]GTAGGCAGCCTCCTTAACTGTGGACTCCTGTTCTGAGAACCAAGAGCCAGGATATTGTAC-3'

ClinVar aggregate classification (germline): Benign. Review status: criteria provided, multiple submitters, no conflicts (2 of 4 stars). 11 submissions from 10 submitters: Benign (8). 3 of the submissions do not count toward it. Last evaluated 2026-02-04.

Conditions:
Hennekam lymphangiectasia-lymphedema syndrome 2 (HKLLS2). Identifiers: Orphanet 2136, MedGen C4014939, MONDO:0014454, OMIM 616006.
Van Maldergem syndrome 2 (VMLDS2). Identifiers: Orphanet 314679, MedGen C3809875, MONDO:0014242, OMIM 615546.

Allele frequency attached by ClinVar (database versions not stated): 1000 Genomes Project 30x 0.33292; 1000 Genomes Project 0.33786; TOPMed 0.36918; gnomAD exomes 0.36938 and 0.38986; ExAC 0.37450; gnomAD 0.38282 and 0.38645; ESP Exome Variant Server 0.39597.
gnomAD v4.1: 609,624 of 1,566,870 alleles (39%); highest among the groups gnomAD compares: Non-Finnish European, 40%; 120,529 homozygotes.

Submissions (11):

Labcorp Genetics (formerly Invitae), Labcorp
Classification: Benign. Last evaluated: 2026-02-04. Review status: criteria provided, single submitter. Criteria: Invitae Variant Classification Sherloc (09022015). Collection method: clinical testing. Allele origin: germline.

Blueprint Genetics
Classification: Benign. Last evaluated: 2024-11-26. Review status: criteria provided, single submitter. Criteria: ACMG Guidelines, 2015. Collection method: clinical testing. Allele origin: germline.

Unidad de Genómica Garrahan, Hospital de Pediatría Garrahan
Classification: Benign. Last evaluated: 2024-01-24. Review status: criteria provided, single submitter. Criteria: ACMG Guidelines, 2015. Collection method: clinical testing. Allele origin: germline. Affected: no. Observed: 49 variant alleles.
Comment: This variant is classified as Benign based on local population frequency. This variant was detected in 52% of patients studied by a panel of primary immunodeficiencies. Number of patients: 49. Only high quality variants are reported.

Genome-Nilou Lab
Classification: Benign for Hennekam lymphangiectasia-lymphedema syndrome 2. Last evaluated: 2021-08-10. Review status: criteria provided, single submitter. Criteria: ACMG Guidelines, 2015. Collection method: clinical testing. Allele origin: germline. Affected: no.

Genome-Nilou Lab
Classification: Benign for Van Maldergem syndrome 2. Last evaluated: 2021-08-10. Review status: criteria provided, single submitter. Criteria: ACMG Guidelines, 2015. Collection method: clinical testing. Allele origin: germline. Affected: no.

Mayo Clinic Laboratories, Mayo Clinic
Classification: Benign. Last evaluated: 2021-04-07. Review status: criteria provided, single submitter. Criteria: ACMG Guidelines, 2015. Collection method: clinical testing. Allele origin: germline. Observed: 3 variant alleles.

GeneDx
Classification: Benign. Last evaluated: 2016-01-08. Review status: criteria provided, single submitter. Criteria: GeneDx Variant Classification (06012015). Collection method: clinical testing. Allele origin: germline. Affected: yes.
Comment: This variant is considered likely benign or benign based on one or more of the following criteria: it is a conservative change, it occurs at a poorly conserved position in the protein, it is predicted to be benign by multiple in silico algorithms, and/or has population frequency not consistent with disease.

Breakthrough Genomics
Classification: Benign. Review status: criteria provided, single submitter. Criteria: ACMG Guidelines, 2015. Collection method: not provided. Allele origin: germline. Inheritance: Autosomal recessive inheritance. Affected: yes.

Clinical Genetics DNA and cytogenetics Diagnostics Lab, Erasmus MC, Erasmus Medical Center
Classification: Benign. Review status: no assertion criteria provided. Collection method: clinical testing. Allele origin: germline. Affected: yes. Study: VKGL Data-share Consensus. Not counted in ClinVar's aggregate classification.

Clinical Genetics, Academic Medical Center
Classification: Benign. Review status: no assertion criteria provided. Collection method: clinical testing. Allele origin: germline. Affected: yes. Study: VKGL Data-share Consensus. Not counted in ClinVar's aggregate classification.

Joint Genome Diagnostic Labs from Nijmegen and Maastricht, Radboudumc and MUMC+
Classification: Benign. Review status: no assertion criteria provided. Collection method: clinical testing. Allele origin: germline. Affected: yes. Study: VKGL Data-share Consensus. Not counted in ClinVar's aggregate classification.